The following is an entry in ClinVar:

ClinVar aggregate classification (germline): Benign (1 of 4 stars; one submission).

Conditions:
Lynch syndrome 5 (LYNCH5). Also called: Colorectal cancer, hereditary nonpolyposis, type 5; Hereditary non-polyposis colorectal cancer, type 5. Identifiers: Orphanet 144, MedGen C1833477, MONDO:0013710, OMIM 614350. Disease mechanism: loss of function.

Submission:

Myriad Genetics, Inc.
Classification: Benign for Lynch syndrome 5. Last evaluated: 2025-01-03. Review status: criteria provided, single submitter. Criteria: Myriad Autosomal Dominant, Autosomal Recessive and X-Linked Classification Criteria (2023). Collection method: clinical testing. Allele origin: unknown.
Comment: This variant is considered benign. This variant is a silent/synonymous amino acid change and it is not expected to impact splicing.

NM_000179.3(MSH6):c.2856G>A (p.Leu952=)

Gene: MSH6 (mutS homolog 6; plus strand). Cytogenetic location: 2p16.3.
Variant type: single nucleotide variant.
Coding change: c.2856G>A on transcript NM_000179.3 (MANE Select); coding-DNA position 2856, G replaced by A.
Protein change: p.Leu952=; no amino-acid change (leucine 952 retained).
Molecular consequence: synonymous variant. On other transcripts: non-coding transcript variant (5), intron variant (2).
Genome position (GRCh38, 1-based): chr2:47,800,839, G>A. VCF-style: chr2-47800839-G-A. GRCh37 (hg19) VCF-style: chr2-48027978-G-A.
Other names: c.2466G>A, p.Leu822= (NM_001281492.2); c.1950G>A, p.Leu650= (NM_001281493.2, NM_001281494.2, NM_001406811.1 and 6 more transcripts); c.2952G>A, p.Leu984= (NM_001406795.1, NM_001406802.1); c.2856G>A, p.Leu952= (NM_001406796.1, NM_001406798.1, NM_001406800.1 and 2 more transcripts); c.2559G>A, p.Leu853= (NM_001406797.1, NM_001406801.1, NM_001406805.1 and 10 more transcripts); c.2331G>A, p.Leu777= (NM_001406799.1, NM_001406806.1, NM_001406807.1); c.2778G>A, p.Leu926= (NM_001406804.1); c.2862G>A, p.Leu954= (NM_001406813.1); and 4 more.
Identifiers: ClinVar variation 3903622 (VCV003903622.1).